The following is an entry in ClinVar:

ClinVar aggregate classification (germline): Likely benign (1 of 4 stars; one submission).

gnomAD v4.1: 25 of 1,613,582 alleles (0.0015%); highest among the groups gnomAD compares: Admixed American, 0.038%; no homozygotes.

Submission:

CeGaT Center for Human Genetics Tuebingen
Classification: Likely benign. Last evaluated: 2024-08-01. Review status: criteria provided, single submitter. Criteria: CeGaT Center For Human Genetics Tuebingen Variant Classification Criteria Version 2. Collection method: clinical testing. Allele origin: germline. Affected: yes. Observed: 1 variant allele.
Comment: POPDC1: BP4, BP7

NM_001199563.2(POPDC1):c.1014A>G (p.Gly338=)

Gene: POPDC1 (popeye domain cAMP effector 1; minus strand). Cytogenetic location: 6q21.
Variant type: single nucleotide variant.
Coding change: c.1014A>G on transcript NM_001199563.2 (MANE Select); coding-DNA position 1014, A replaced by G.
Protein change: p.Gly338=; no amino-acid change (glycine 338 retained).
Molecular consequence: synonymous variant.
Genome position (GRCh38, 1-based): chr6:105,101,158, T>C on the plus strand (A>G on the coding strand, the complement: POPDC1 is on the minus strand). VCF-style: chr6-105101158-T-C. GRCh37 (hg19) VCF-style: chr6-105549033-T-C.
Other names: c.1014A>G, p.Gly338= (NM_007073.4, NM_147147.4).
Identifiers: ClinVar variation 3342208 (VCV003342208.16).